The following is an entry in ClinVar:

NM_000448.3(RAG1):c.2348C>G (p.Ser783Ter)

Gene: RAG1 (recombination activating 1; plus strand). Cytogenetic location: 11p12.
Variant type: single nucleotide variant.
Coding change: c.2348C>G on transcript NM_000448.3 (MANE Select); coding-DNA position 2348, C replaced by G.
Protein change: p.Ser783Ter; replaces serine 783 with a stop codon.
Molecular consequence: nonsense.
Genome position (GRCh38, 1-based): chr11:36,575,652, C>G. VCF-style: chr11-36575652-C-G. GRCh37 (hg19) VCF-style: chr11-36597202-C-G.
Other names: c.2348C>G, p.Ser783Ter (NM_001377277.1, NM_001377278.1, NM_001377279.1 and 1 more transcripts); short protein forms S783*.
Identifiers: ClinVar variation 573434 (VCV000573434.13), dbSNP rs754502950, ClinGen allele CA5950251.
Genomic context (GRCh38, chr11:36,575,652, plus strand): 5'-GGCGTTCCAACCCTTACCATGAGTCTGTGGAAGAACTGCGGGATCGGGTGAAAGGGGTCT[C>G]AGCTAAACCTTTCATTGAGACAGTCCCTTCCATAGATGCACTCCACTGTGACATTGGCAA-3'

ClinVar aggregate classification (germline): Pathogenic/Likely pathogenic. Review status: criteria provided, multiple submitters, no conflicts (2 of 4 stars). 3 submissions from 3 submitters: Pathogenic (1); Likely pathogenic (2). Last evaluated 2025-09-30.

Conditions:
Combined immunodeficiency due to partial RAG1 deficiency. Identifiers: Orphanet 231154, MedGen C1835931, MONDO:0012359, OMIM 609889.
Severe combined immunodeficiency, autosomal recessive, T cell-negative, B cell-negative, NK cell-positive. Also called: SCID, T CELL-NEGATIVE, B CELL-NEGATIVE, NK CELL-POSITIVE; SCID, AR, T-cell negative, B-cell negative, NK cell-positive; Severe combined immunodeficiency due to complete RAG1/2 deficiency. Identifiers: Orphanet 331206, MedGen C1832322, MONDO:0011086, OMIM 601457.
Combined immunodeficiency with skin granulomas. Identifiers: Orphanet 157949, MedGen C2673536, MONDO:0009306, OMIM 233650.
Histiocytic medullary reticulosis. Also called: Omenn syndrome; SEVERE COMBINED IMMUNODEFICIENCY WITH HYPEREOSINOPHILIA. Identifiers: Orphanet 39041, MedGen C2700553, MONDO:0011338, OMIM 603554.

Allele frequency attached by ClinVar (database versions not stated): ExAC 0.00001; gnomAD exomes 0.00001; gnomAD 0.00002 and 0.00003; TOPMed 0.00003.
gnomAD v4.1: 13 of 1,614,094 alleles (0.00081%); highest among the groups gnomAD compares: African/African-American, 0.017%; no homozygotes.

Submissions (3):

Labcorp Genetics (formerly Invitae), Labcorp
Classification: Pathogenic for Combined immunodeficiency with skin granulomas; Severe combined immunodeficiency, autosomal recessive, T cell-negative, B cell-negative, NK cell-positive. Last evaluated: 2025-09-30. Review status: criteria provided, single submitter. Criteria: Invitae Variant Classification Sherloc (09022015). Collection method: clinical testing. Allele origin: germline.
Comment: This sequence change creates a premature translational stop signal (p.Ser783*) in the RAG1 gene. While this is not anticipated to result in nonsense mediated decay, it is expected to disrupt the last 261 amino acid(s) of the RAG1 protein. This variant is present in population databases (rs754502950, gnomAD 0.02%). This variant has not been reported in the literature in individuals affected with RAG1-related conditions. ClinVar contains an entry for this variant (Variation ID: 573434). This variant disrupts a region of the RAG1 protein in which other variant(s) (p.R959*) have been determined to be pathogenic (PMID: 11133745, 24290284, 24406074). This suggests that this is a clinically significant region of the protein, and that variants that disrupt it are likely to be disease-causing. For these reasons, this variant has been classified as Pathogenic.

Baylor Genetics
Classification: Likely pathogenic for Combined immunodeficiency due to partial RAG1 deficiency. Last evaluated: 2024-03-25. Review status: criteria provided, single submitter. Criteria: ACMG Guidelines, 2015. Collection method: clinical testing. Allele origin: unknown.

Center for Genomics, Ann and Robert H. Lurie Children's Hospital of Chicago
Classification: Likely pathogenic for Histiocytic medullary reticulosis; Severe combined immunodeficiency, autosomal recessive, T cell-negative, B cell-negative, NK cell-positive; Combined immunodeficiency with skin granulomas; Combined immunodeficiency due to partial RAG1 deficiency. Review status: criteria provided, single submitter. Criteria: ACMG Guidelines, 2015. Collection method: clinical testing. Allele origin: germline.
Comment: RAG1 NM_000448 exon 2 p.Ser738* (c.2348C>G): This variant has not been reported in the literature but is present in 3/15298 African alleles in the Genome Aggregation Database. Please note, disease causing variants may be present in control databases at low frequencies, reflective of the general population and/or variable expressivity. Evolutionary conservation and computational predictive tools for this variant are limited or unavailable. This variant creates a premature stop at this codon which results in an absent or abnormal protein; loss of function variants have been reported in association with disease for this gene (Matthews 2015 PMID:25849362). In summary, data on this variant is highly suspicious for disease, but requires further evidence for pathogenicity. Therefore, this variant classified as likely pathogenic.

Literature cited by the submitters: PubMed 11133745 (cited by Labcorp Genetics (formerly Invitae), Labcorp); PubMed 24290284 (cited by Labcorp Genetics (formerly Invitae), Labcorp); PubMed 24406074 (cited by Labcorp Genetics (formerly Invitae), Labcorp).